The following is an entry in ClinVar:

NM_000277.3(PAH):c.1232C>G (p.Ser411Ter)

Gene: PAH (phenylalanine hydroxylase; minus strand). Cytogenetic location: 12q23.2.
Variant type: single nucleotide variant.
Coding change: c.1232C>G on transcript NM_000277.3 (MANE Select); coding-DNA position 1232, C replaced by G.
Protein change: p.Ser411Ter; replaces serine 411 with a stop codon.
Molecular consequence: nonsense.
Genome position (GRCh38, 1-based): chr12:102,840,483, G>C on the plus strand (C>G on the coding strand, the complement: PAH is on the minus strand). VCF-style: chr12-102840483-G-C. GRCh37 (hg19) VCF-style: chr12-103234261-G-C.
Other names: NM_001354304.2:c.1232C>G; c.1232C>G, p.Ser411Ter (NM_001354304.2); short protein forms S411*.
Identifiers: ClinVar variation 2682163 (VCV002682163.1), dbSNP rs62644477, ClinGen allele CA16020974.

ClinVar aggregate classification (germline): Pathogenic (3 of 4 stars; one submission).

Conditions:
Phenylketonuria (PKU). Also called: Phenylketonurias; FOLLING DISEASE; OLIGOPHRENIA PHENYLPYRUVICA; Phenylketonuria (PKU). Identifiers: Orphanet 716, MedGen C0031485, MONDO:0009861, OMIM 261600. Disease mechanism: loss of function.

Submission:

ClinGen PAH Variant Curation Expert Panel
Classification: Pathogenic for Phenylketonuria. Last evaluated: 2023-10-13. Review status: reviewed by expert panel. Criteria: ClinGen PAH ACMG Specifications v1. Collection method: curation. Allele origin: germline. Inheritance: Autosomal recessive inheritance.
Comment: The c.1232C>G (p.Ser411Ter) variant in PAH is a nonsense variant in exon 12 of 13 predicted to lead to nonsense mediated decay. This variant is absent in gnomAD. In summary, this variant meets criteria to be classified as pathogenic for PAH. PAH-specific ACMG/AMP criteria applied: PVS1, PP4, PM2_supporting, PM3_supporting.